The following is an entry in ClinVar:

NM_199355.4(ADAMTS18):c.3274_3292del (p.Pro1092fs)

Gene: ADAMTS18 (ADAM metallopeptidase with thrombospondin type 1 motif 18; minus strand). Cytogenetic location: 16q23.1.
Variant type: Deletion.
Coding change: c.3274_3292del on transcript NM_199355.4 (MANE Select); coding-DNA positions 3274 to 3292, 19 bases deleted (CCAGAGCGAAGATGCCGTA).
Protein change: p.Pro1092fs; shifts the reading frame from proline 1092.
Molecular consequence: frameshift variant.
Genome position (GRCh38, 1-based): chr16:77,291,376-77,291,394, TACGGCATCTTCGCTCTGG deleted on the plus strand (CCAGAGCGAAGATGCCGTA on the coding strand, the reverse complement: ADAMTS18 is on the minus strand). VCF-style (leftmost placement, unchanged base first): chr16-77291375-TTACGGCATCTTCGCTCTGG-T. GRCh37 (hg19) VCF-style: chr16-77325272-TTACGGCATCTTCGCTCTGG-T.
Other names: c.2758_2776del, p.Pro920fs (NM_001326358.2); short protein forms P1092fs, P920fs.
Identifiers: ClinVar variation 4849391 (VCV004849391.1).

ClinVar aggregate classification (germline): Likely pathogenic (1 of 4 stars; one submission).

Conditions:
Microcornea-myopic chorioretinal atrophy. Also called: Microcornea, myopic chorioretinal atrophy, and telecanthus. Identifiers: Orphanet 369970, MedGen C3809567, MONDO:0014195, OMIM 615458.

Submission:

First Genomix Gene Laboratory, Genetic Diagnostics Department
Classification: Likely pathogenic for Microcornea-myopic chorioretinal atrophy. Last evaluated: 2025-06-19. Review status: criteria provided, single submitter. Criteria: ACMG Guidelines, 2015. Collection method: clinical testing. Allele origin: germline. Inheritance: Autosomal recessive inheritance. Affected: no. Observed: 1 variant allele.